The following is an entry in ClinVar:

NM_003476.5(CSRP3):c.252G>A (p.Thr84=)

Gene: CSRP3 (cysteine and glycine rich protein 3; minus strand). Cytogenetic location: 11p15.1.
Variant type: single nucleotide variant.
Coding change: c.252G>A on transcript NM_003476.5 (MANE Select); coding-DNA position 252, G replaced by A.
Protein change: p.Thr84=; no amino-acid change (threonine 84 retained).
Molecular consequence: synonymous variant. On other transcripts: intron variant (1).
Genome position (GRCh38, 1-based): chr11:19,188,165, C>T on the plus strand (G>A on the coding strand, the complement: CSRP3 is on the minus strand). VCF-style: chr11-19188165-C-T. GRCh37 (hg19) VCF-style: chr11-19209712-C-T.
Other names: c.113-1817G>A (NM_001369404.1).
Identifiers: ClinVar variation 389630 (VCV000389630.20), dbSNP rs755614464, ClinGen allele CA5916609.

ClinVar aggregate classification (germline): Likely benign. Review status: criteria provided, multiple submitters, no conflicts (2 of 4 stars). 7 submissions from 7 submitters: Likely benign (7). Last evaluated 2025-12-10.

Conditions:
Cardiovascular phenotype. Identifiers: MedGen CN230736.
Cardiomyopathy (CMYO). Also called: Cardiomyopathies. Identifiers: Orphanet 167848, MedGen C0878544, MONDO:0004994, HP:0001638. Inheritance: Various modes of inheritance.
Dilated cardiomyopathy 1M (CMD1M). Identifiers: Orphanet 154, MedGen C1843808, MONDO:0011840, OMIM 607482.
Hypertrophic cardiomyopathy 12. Identifiers: MedGen C2677491, MONDO:0012804, OMIM 612124.

Allele frequency attached by ClinVar (database versions not stated): gnomAD 0.00002 and 0.00004; gnomAD exomes 0.00002; TOPMed 0.00002; ExAC 0.00004.
gnomAD v4.1: 55 of 1,614,026 alleles (0.0034%); highest among the groups gnomAD compares: Middle Eastern, 0.05%; no homozygotes.

Submissions (7):

Labcorp Genetics (formerly Invitae), Labcorp
Classification: Likely benign for Hypertrophic cardiomyopathy 12; Dilated cardiomyopathy 1M. Last evaluated: 2025-12-10. Review status: criteria provided, single submitter. Criteria: Invitae Variant Classification Sherloc (09022015). Collection method: clinical testing. Allele origin: germline.

Blueprint Genetics
Classification: Likely benign. Last evaluated: 2024-10-25. Review status: criteria provided, single submitter. Criteria: ACMG Guidelines, 2015. Collection method: clinical testing. Allele origin: germline.

Women's Health and Genetics/Laboratory Corporation of America, LabCorp
Classification: Likely benign. Last evaluated: 2022-06-06. Review status: criteria provided, single submitter. Criteria: LabCorp Variant Classification Summary - May 2015. Collection method: clinical testing. Allele origin: germline.

GeneDx
Classification: Likely benign. Last evaluated: 2019-06-11. Review status: criteria provided, single submitter. Criteria: GeneDx Variant Classification Process June 2021. Collection method: clinical testing. Allele origin: germline. Affected: yes.

Ambry Genetics
Classification: Likely benign for Cardiovascular phenotype. Last evaluated: 2019-05-02. Review status: criteria provided, single submitter. Criteria: Ambry Variant Classification Scheme 2023. Collection method: clinical testing. Allele origin: germline.

CHEO Genetics Diagnostic Laboratory, Children's Hospital of Eastern Ontario
Classification: Likely benign for Cardiomyopathy. Last evaluated: 2018-03-15. Review status: criteria provided, single submitter. Criteria: ACMG Guidelines, 2015. Collection method: clinical testing. Allele origin: germline.

Laboratory for Molecular Medicine, Mass General Brigham Personalized Medicine
Classification: Likely benign. Last evaluated: 2016-05-18. Review status: criteria provided, single submitter. Criteria: LMM Criteria. Collection method: clinical testing. Allele origin: germline. Observed: 1 variant allele.
Comment: p.Thr84Thr in exon 3 of CSRP3: This variant is not expected to have clinical sig nificance because it does not alter an amino acid residue and is not located wit hin the splice consensus sequence. It has been identified in 5/11576 Latino chr omosomes by the Exome Aggregation Consortium (ExAC, rg; dbSNP rs755614464).